The following is an entry in ClinVar:

NM_177972.3(TUB):c.1419A>G (p.Val473=)

Genes: RIC3 (RIC3 acetylcholine receptor chaperone; minus strand), TUB (TUB bipartite transcription factor; plus strand). Cytogenetic location: 11p15.4.
Variant type: single nucleotide variant.
Coding change: c.1419A>G on transcript NM_177972.3 (MANE Select); coding-DNA position 1419, A replaced by G.
Protein change: p.Val473=; no amino-acid change (valine 473 retained).
Molecular consequence: synonymous variant.
Genome position (GRCh38, 1-based): chr11:8,101,517, A>G. VCF-style: chr11-8101517-A-G. GRCh37 (hg19) VCF-style: chr11-8123064-A-G.
Other names: c.1584A>G, p.Val528= (NM_003320.5); c.1584A>G (NM_003320.4).
Identifiers: ClinVar variation 1125250 (VCV001125250.12), dbSNP rs369809314, ClinGen allele CA5871516.

ClinVar aggregate classification (germline): Likely benign. Review status: criteria provided, multiple submitters, no conflicts (2 of 4 stars). 3 submissions from 3 submitters: Likely benign (2). 1 of the submissions does not count toward it. Last evaluated 2024-10-13.

Conditions:
TUB-related disorder. Also called: TUB-related condition.

Allele frequency attached by ClinVar (database versions not stated): ExAC 0.00002; gnomAD 0.00003 and 0.00004; gnomAD exomes 0.00003 and 0.00013; TOPMed 0.00004; ESP Exome Variant Server 0.00008.
gnomAD v4.1: 191 of 1,614,058 alleles (0.012%); highest among the groups gnomAD compares: Non-Finnish European, 0.016%; no homozygotes.

Submissions (3):

Labcorp Genetics (formerly Invitae), Labcorp
Classification: Likely benign. Last evaluated: 2024-10-13. Review status: criteria provided, single submitter. Criteria: Invitae Variant Classification Sherloc (09022015). Collection method: clinical testing. Allele origin: germline.

Blueprint Genetics
Classification: Likely benign. Last evaluated: 2022-09-05. Review status: criteria provided, single submitter. Criteria: ACMG Guidelines, 2015. Collection method: clinical testing. Allele origin: germline.

PreventionGenetics, part of Exact Sciences
Classification: Likely benign for TUB-related condition. Last evaluated: 2019-06-12. Review status: no assertion criteria provided. Collection method: clinical testing. Allele origin: germline. Not counted in ClinVar's aggregate classification.
Comment: This variant is classified as likely benign based on ACMG/AMP sequence variant interpretation guidelines (Richards et al. 2015 PMID: 25741868, with internal and published modifications).